The following is an entry in ClinVar:

ClinVar aggregate classification (germline): Uncertain significance (1 of 4 stars; one submission).

Conditions:
Hereditary breast ovarian cancer syndrome. Also called: Hereditary breast and ovarian cancer syndrome (HBOC); Breast and ovarian cancer; BRCA1- and BRCA2-Associated Hereditary Breast and Ovarian Cancer; Hereditary breast and ovarian cancer syndrome; Hereditary breast and ovarian cancer; Hereditary breast and/or ovarian cancer syndrome. Identifiers: Orphanet 145, MedGen C0677776, MeSH D061325, MONDO:0003582. Disease mechanism: loss of function.

Submission:

Labcorp Genetics (formerly Invitae), Labcorp
Classification: Uncertain significance for Hereditary breast ovarian cancer syndrome. Last evaluated: 2023-03-07. Review status: criteria provided, single submitter. Criteria: Invitae Variant Classification Sherloc (09022015). Collection method: clinical testing. Allele origin: germline.
Comment: This variant is not present in population databases (gnomAD no frequency). This sequence change replaces arginine, which is basic and polar, with threonine, which is neutral and polar, at codon 1315 of the BRCA2 protein (p.Arg1315Thr). This variant has not been reported in the literature in individuals affected with BRCA2-related conditions. In summary, the available evidence is currently insufficient to determine the role of this variant in disease. Therefore, it has been classified as a Variant of Uncertain Significance. Advanced modeling of protein sequence and biophysical properties (such as structural, functional, and spatial information, amino acid conservation, physicochemical variation, residue mobility, and thermodynamic stability) performed at Invitae indicates that this missense variant is not expected to disrupt BRCA2 protein function.

NM_000059.4(BRCA2):c.3944G>C (p.Arg1315Thr)

Gene: BRCA2 (BRCA2 DNA repair associated; plus strand). Cytogenetic location: 13q13.1.
Variant type: single nucleotide variant.
Coding change: c.3944G>C on transcript NM_000059.4 (MANE Select); coding-DNA position 3944, G replaced by C.
Protein change: p.Arg1315Thr; replaces arginine 1315 with threonine.
Molecular consequence: missense variant. On other transcripts: non-coding transcript variant (1), intron variant (2).
Genome position (GRCh38, 1-based): chr13:32,338,299, G>C. VCF-style: chr13-32338299-G-C. GRCh37 (hg19) VCF-style: chr13-32912436-G-C.
Other names: c.3944G>C, p.Arg1315Thr (NM_001406719.1, NM_001406720.1); c.1909+4912G>C (NM_001406721.1); c.425-6259G>C (NM_001406722.1); short protein forms R1315T.
Identifiers: ClinVar variation 2843264 (VCV002843264.3), dbSNP rs80358643, ClinGen allele CA387778876.